The following is an entry in ClinVar:

NM_003982.4(SLC7A7):c.154G>A (p.Gly52Ser)

Gene: SLC7A7 (solute carrier family 7 member 7; minus strand). Cytogenetic location: 14q11.2.
Variant type: single nucleotide variant.
Coding change: c.154G>A on transcript NM_003982.4 (MANE Select); coding-DNA position 154, G replaced by A.
Protein change: p.Gly52Ser; replaces glycine 52 with serine.
Molecular consequence: missense variant.
Genome position (GRCh38, 1-based): chr14:22,813,245, C>T on the plus strand (G>A on the coding strand, the complement: SLC7A7 is on the minus strand). VCF-style: chr14-22813245-C-T. GRCh37 (hg19) VCF-style: chr14-23282454-C-T.
Other names: c.154G>A, p.Gly52Ser (NM_001126105.3, NM_001126106.4); short protein forms G52S.
Identifiers: ClinVar variation 2914600 (VCV002914600.2), dbSNP rs777318425, ClinGen allele CA7104751.
Genomic context (GRCh38, chr14:22,813,245, plus strand): 5'-AGAGACCAAAGGAGGCACTGTATATGAGCACACCCTTGGGGGAAACAAAGATGCCCGAGC[C>T]GATCATGTTCCCCACAATCAGGCACACGCCGTTAAGCAGTGAGATCTCCTTCTTCAGCTT-3'
Protein context (NP_003973.3, residues 42-62): GVCLIVGNMI[Gly52Ser]SGIFVSPKGV

ClinVar aggregate classification (germline): Uncertain significance (1 of 4 stars; one submission).

Conditions:
Lysinuric protein intolerance (LPI). Identifiers: Orphanet 470, MedGen C0268647, MONDO:0009109, OMIM 222700.

Allele frequency attached by ClinVar (database versions not stated): gnomAD exomes 0.00001; ExAC 0.00002.

Submission:

Labcorp Genetics (formerly Invitae), Labcorp
Classification: Uncertain significance for Lysinuric protein intolerance. Last evaluated: 2022-12-21. Review status: criteria provided, single submitter. Criteria: Invitae Variant Classification Sherloc (09022015). Collection method: clinical testing. Allele origin: germline.
Comment: Algorithms developed to predict the effect of missense changes on protein structure and function (SIFT, PolyPhen-2, Align-GVGD) all suggest that this variant is likely to be disruptive. In summary, the available evidence is currently insufficient to determine the role of this variant in disease. Therefore, it has been classified as a Variant of Uncertain Significance. This variant has not been reported in the literature in individuals affected with SLC7A7-related conditions. This sequence change replaces glycine, which is neutral and non-polar, with serine, which is neutral and polar, at codon 52 of the SLC7A7 protein (p.Gly52Ser). This variant is present in population databases (rs777318425, gnomAD 0.007%).